The following is an entry in ClinVar:

ClinVar aggregate classification (germline): Pathogenic (1 of 4 stars; one submission).

Submission:

Labcorp Genetics (formerly Invitae), Labcorp
Classification: Pathogenic. Last evaluated: 2025-09-07. Review status: criteria provided, single submitter. Criteria: Invitae Variant Classification Sherloc (09022015). Collection method: clinical testing. Allele origin: germline.
Comment: This sequence change creates a premature translational stop signal (p.Lys661*) in the SETBP1 gene. It is expected to result in an absent or disrupted protein product. Loss-of-function variants in SETBP1 are known to be pathogenic (PMID: 21037274, 25217958). This variant is not present in population databases (gnomAD no frequency). This variant has not been reported in the literature in individuals affected with SETBP1-related conditions. For these reasons, this variant has been classified as Pathogenic.

Literature cited by the submitters: PubMed 21037274; PubMed 25217958.

NM_015559.3(SETBP1):c.1981A>T (p.Lys661Ter)

Gene: SETBP1 (SET binding protein 1; plus strand). Cytogenetic location: 18q12.3.
Variant type: single nucleotide variant.
Coding change: c.1981A>T on transcript NM_015559.3 (MANE Select); coding-DNA position 1981, A replaced by T.
Protein change: p.Lys661Ter; replaces lysine 661 with a stop codon.
Molecular consequence: nonsense.
Genome position (GRCh38, 1-based): chr18:44,951,321, A>T. VCF-style: chr18-44951321-A-T. GRCh37 (hg19) VCF-style: chr18-42531286-A-T.
Other names: c.1981A>T, p.Lys661Ter (NM_001379141.1, NM_001379142.1, NM_001410862.1); short protein forms K661*.
Identifiers: ClinVar variation 4726746 (VCV004726746.1).